The following is an entry in ClinVar:

NM_000548.5(TSC2):c.4597CTC[1] (p.Leu1534del)

Gene: TSC2 (TSC complex subunit 2; plus strand). Cytogenetic location: 16p13.3.
Variant type: Microsatellite.
Coding change: c.4597CTC[1] on transcript NM_000548.5 (MANE Select); one copy of the 3-base unit CTC starting at c.4597; the reference has two copies in a row; one copy, 3 bases deleted.
Protein change: p.Leu1534del; deletes leucine 1534.
Molecular consequence: inframe deletion. On other transcripts: non-coding transcript variant (5).
Genome position (GRCh38, 1-based): chr16:2,085,260-2,085,262, CTC deleted; deleting any 3 consecutive bases within chr16:2,085,257-2,085,262 gives the same sequence; the position shown is the placement nearest the transcript's 3' end. VCF-style (leftmost placement, unchanged base first): chr16-2085256-GCTC-G. GRCh37 (hg19) VCF-style: chr16-2135257-GCTC-G.
Other names: c.3796CTC[1], p.Leu1267del (NM_001406688.1, NM_001406687.1); c.3184CTC[1], p.Leu1063del (NM_001406689.1); c.3124CTC[1], p.Leu1043del (NM_001406690.1); c.3121CTC[1], p.Leu1042del (NM_001406691.1); c.3052CTC[1], p.Leu1019del (NM_001406696.1, NM_001406697.1, NM_001406695.1); c.2794CTC[1], p.Leu933del (NM_001406698.1); c.3055CTC[1], p.Leu1020del (NM_001406692.1, NM_001406693.1, NM_001406694.1); c.4468CTC[1], p.Leu1491del (NM_021055.3, NM_001370405.1); and 26 more; short protein forms L1267del, L1310del, L1314del, L1418del, L1430del, L1467del, L1478del, L1491del.
Identifiers: ClinVar variation 2848348 (VCV002848348.3), dbSNP rs2544323092, ClinGen allele CA2739265847.

ClinVar aggregate classification (germline): Uncertain significance (1 of 4 stars; one submission).

Conditions:
Tuberous sclerosis 2 (TSC2). Identifiers: Orphanet 805, MedGen C1860707, MONDO:0013199, OMIM 613254.

Submission:

Labcorp Genetics (formerly Invitae), Labcorp
Classification: Uncertain significance for Tuberous sclerosis 2. Last evaluated: 2023-03-21. Review status: criteria provided, single submitter. Criteria: Invitae Variant Classification Sherloc (09022015). Collection method: clinical testing. Allele origin: germline.
Comment: In summary, the available evidence is currently insufficient to determine the role of this variant in disease. Therefore, it has been classified as a Variant of Uncertain Significance. This variant, c.4600_4602del, results in the deletion of 1 amino acid(s) of the TSC2 protein (p.Leu1534del), but otherwise preserves the integrity of the reading frame. This variant is not present in population databases (gnomAD no frequency). This variant has not been reported in the literature in individuals affected with TSC2-related conditions. Experimental studies and prediction algorithms are not available or were not evaluated, and the functional significance of this variant is currently unknown.